The following is an entry in ClinVar:

NM_000789.4(ACE):c.2371C>T (p.Arg791Ter)

Gene: ACE (angiotensin I converting enzyme; plus strand). Cytogenetic location: 17q23.3.
Variant type: single nucleotide variant.
Coding change: c.2371C>T on transcript NM_000789.4 (MANE Select); coding-DNA position 2371, C replaced by T.
Protein change: p.Arg791Ter; replaces arginine 791 with a stop codon.
Molecular consequence: nonsense.
Genome position (GRCh38, 1-based): chr17:63,488,713, C>T. VCF-style: chr17-63488713-C-T. GRCh37 (hg19) VCF-style: chr17-61566074-C-T.
Other names: c.649C>T, p.Arg217Ter (NM_001178057.2, NM_152830.3); short protein forms R791*, R217*.
Identifiers: ClinVar variation 50209 (VCV000050209.5), dbSNP rs397514689, ClinGen allele CA143701.
Genomic context (GRCh38, chr17:63,488,713, plus strand): 5'-ACGAATGTGATGGCCACGTCCCGGAAATATGAAGACCTGTTATGGGCATGGGAGGGCTGG[C>T]GAGACAAGGCGGGGAGAGCCATCCTCCAGTTTTACCCGAAATACGTGGAACTCATCAACC-3'

ClinVar aggregate classification (germline): Pathogenic. Review status: criteria provided, multiple submitters, no conflicts (2 of 4 stars). 4 submissions from 4 submitters: Pathogenic (3). 1 of the submissions does not count toward it. Last evaluated 2025-01-21.

Conditions:
Microvascular complications of diabetes, susceptibility to, 3. Identifiers: MedGen C2675470, MONDO:0012963, OMIM 612624.
Hemorrhage, intracerebral, susceptibility to (ICH). Also called: Stroke, hemorrhagic, susceptibility to. Identifiers: MedGen C3281105, MONDO:0100533, OMIM 614519.
Renal tubular dysgenesis of genetic origin. Also called: PRIMITIVE RENAL TUBULE SYNDROME. Identifiers: Orphanet 97369, MedGen C5681536, MONDO:0009970, OMIM 267430.
Renal tubular dysgenesis. Also called: Renotubular dysgenesis. Identifiers: Orphanet 3033, MedGen C0266313, MONDO:0017609, HP:0008660.

Allele frequency attached by ClinVar (database versions not stated): TOPMed 0.00001; gnomAD exomes 0.00002 and 0.00001; ExAC 0.00002.
gnomAD v4.1: 14 of 1,613,580 alleles (0.00087%); highest among the groups gnomAD compares: East Asian, 0.0022%; no homozygotes.

Submissions (4):

Labcorp Genetics (formerly Invitae), Labcorp
Classification: Pathogenic. Last evaluated: 2025-01-21. Review status: criteria provided, single submitter. Criteria: Invitae Variant Classification Sherloc (09022015). Collection method: clinical testing. Allele origin: germline.
Comment: This sequence change creates a premature translational stop signal (p.Arg791*) in the ACE gene. It is expected to result in an absent or disrupted protein product. Loss-of-function variants in ACE are known to be pathogenic (PMID: 22095942). This variant is present in population databases (rs397514689, gnomAD 0.003%). This premature translational stop signal has been observed in individual(s) with renal tubular dysgenesis (PMID: 22095942). ClinVar contains an entry for this variant (Variation ID: 50209). Algorithms developed to predict the effect of sequence changes on RNA splicing suggest that this variant may disrupt the consensus splice site. For these reasons, this variant has been classified as Pathogenic.

Fulgent Genetics
Classification: Pathogenic for Renal tubular dysgenesis of genetic origin; Microvascular complications of diabetes, susceptibility to, 3; Hemorrhage, intracerebral, susceptibility to. Last evaluated: 2021-09-13. Review status: criteria provided, single submitter. Criteria: ACMG Guidelines, 2015. Collection method: clinical testing. Allele origin: unknown.

GeneDx
Classification: Pathogenic. Last evaluated: 2018-05-25. Review status: criteria provided, single submitter. Criteria: GeneDx Variant Classification (06012015). Collection method: clinical testing. Allele origin: germline. Affected: yes.
Comment: The R791X pathogenic variant in the ACE gene has been reported previously in the homozygous state in association with renal tubular dysgenesis (Gribouval et al., 2012).This variant is predicted to cause loss of normal protein function either through protein truncation or nonsense-mediated mRNA decay. Functional studies of the R791X mutation (aka R762X using alternate nomenclature) indicate that although it exhibits N-domain enzyme activity, it lacks the C-domain activity and is not properly inserted in the plasma membrane (Michaud et al., 2014). The R791X mutation was not observed in approximately 6500 individuals of European and African American ancestry in the NHLBI Exome Sequencing Project, indicating it is not a common benign variant in these populations. We interpret R791X as a pathogenic variant.

OMIM
Classification: Pathogenic for RENAL TUBULAR DYSGENESIS. Last evaluated: 2012-02-01. Review status: no assertion criteria provided. Collection method: literature only. Allele origin: germline. Not counted in ClinVar's aggregate classification.

Literature cited by the submitters: PubMed 22095942 (cited by Labcorp Genetics (formerly Invitae), Labcorp and OMIM).